The following is an entry in ClinVar:

ClinVar aggregate classification (germline): Uncertain significance (1 of 4 stars; one submission).

gnomAD v4.1: 20 of 1,612,736 alleles (0.0012%); highest among the groups gnomAD compares: Non-Finnish European, 0.0014%; no homozygotes.

Submission:

Labcorp Genetics (formerly Invitae), Labcorp
Classification: Uncertain significance. Last evaluated: 2024-09-14. Review status: criteria provided, single submitter. Criteria: Invitae Variant Classification Sherloc (09022015). Collection method: clinical testing. Allele origin: germline.
Comment: This sequence change replaces aspartic acid, which is acidic and polar, with glutamic acid, which is acidic and polar, at codon 20 of the SNIP1 protein (p.Asp20Glu). This variant is not present in population databases (gnomAD no frequency). This variant has not been reported in the literature in individuals affected with SNIP1-related conditions. An algorithm developed to predict the effect of missense changes on protein structure and function (PolyPhen-2) suggests that this variant is likely to be disruptive. In summary, the available evidence is currently insufficient to determine the role of this variant in disease. Therefore, it has been classified as a Variant of Uncertain Significance.

NM_024700.4(SNIP1):c.60C>G (p.Asp20Glu)

Gene: SNIP1 (Smad nuclear interacting protein 1; minus strand). Cytogenetic location: 1p34.3.
Variant type: single nucleotide variant.
Coding change: c.60C>G on transcript NM_024700.4 (MANE Select); coding-DNA position 60, C replaced by G.
Protein change: p.Asp20Glu; replaces aspartic acid 20 with glutamic acid.
Molecular consequence: missense variant.
Genome position (GRCh38, 1-based): chr1:37,554,170, G>C on the plus strand (C>G on the coding strand, the complement: SNIP1 is on the minus strand). VCF-style: chr1-37554170-G-C. GRCh37 (hg19) VCF-style: chr1-38019771-G-C.
Other names: short protein forms D20E.
Identifiers: ClinVar variation 3716274 (VCV003716274.2).